The following is an entry in ClinVar:

NM_005902.4(SMAD3):c.284C>G (p.Pro95Arg)

Gene: SMAD3 (SMAD family member 3; plus strand). Cytogenetic location: 15q22.33.
Variant type: single nucleotide variant.
Coding change: c.284C>G on transcript NM_005902.4 (MANE Select); coding-DNA position 284, C replaced by G.
Protein change: p.Pro95Arg; replaces proline 95 with arginine.
Molecular consequence: missense variant. On other transcripts: 5 prime UTR variant (1).
Genome position (GRCh38, 1-based): chr15:67,164,972, C>G. VCF-style: chr15-67164972-C-G. GRCh37 (hg19) VCF-style: chr15-67457310-C-G.
Other names: c.-32C>G (NM_001145102.2, NM_001407015.1, NM_001407016.1); c.152C>G, p.Pro51Arg (NM_001145103.2); c.284C>G, p.Pro95Arg (NM_001407011.1, NM_001407012.1, NM_001407013.1); c.137C>G, p.Pro46Arg (NM_001407014.1); short protein forms P46R, P51R, P95R.
Identifiers: ClinVar variation 1711965 (VCV001711965.3), dbSNP rs1962536528, ClinGen allele CA392953921.

ClinVar aggregate classification (germline): Uncertain significance. Review status: criteria provided, multiple submitters, no conflicts (2 of 4 stars). 2 submissions from 2 submitters: Uncertain significance (2). Last evaluated 2023-07-13.

Conditions:
Aneurysm-osteoarthritis syndrome. Also called: SMAD3-Related Loeys-Dietz Syndrome; ANEURYSMS-OSTEOARTHRITIS SYNDROME; Loeys-Dietz syndrome, type 1C; LOEYS-DIETZ SYNDROME WITH OSTEOARTHRITIS. Identifiers: Orphanet 284984, MedGen C3151087, MONDO:0013426, OMIM 613795.

Submissions (2):

MVZ Medizinische Genetik Mainz
Classification: Uncertain significance for Aneurysm-osteoarthritis syndrome. Last evaluated: 2023-07-13. Review status: criteria provided, single submitter. Criteria: UK Practice Guidelines For Variant Classification V4 01 2020. Collection method: clinical testing. Allele origin: germline. Inheritance: Autosomal dominant inheritance. Affected: yes. Observed: 1 variant allele.
Comment: ACMG Criteria: PP3_MOD,PM2_SUP,PP2

GeneDx
Classification: Uncertain significance. Last evaluated: 2022-04-18. Review status: criteria provided, single submitter. Criteria: GeneDx Variant Classification Process June 2021. Collection method: clinical testing. Allele origin: germline. Affected: yes.
Comment: Has not been previously published as pathogenic or benign to our knowledge; Not observed at significant frequency in large population cohorts (gnomAD); In silico analysis supports that this missense variant has a deleterious effect on protein structure/function